The following is an entry in ClinVar:

ClinVar aggregate classification (germline): Uncertain significance (1 of 4 stars; one submission).

Conditions:
Epileptic encephalopathy. Identifiers: MedGen C0543888, HP:0200134.

Allele frequency attached by ClinVar (database versions not stated): gnomAD exomes below 0.00001.
gnomAD v4.1: 1 of 1,570,026 alleles (0.000064%); highest among the groups gnomAD compares: Non-Finnish European, 0.000086%; no homozygotes.

Submission:

Labcorp Genetics (formerly Invitae), Labcorp
Classification: Uncertain significance for Epileptic encephalopathy. Last evaluated: 2018-04-18. Review status: criteria provided, single submitter. Criteria: Invitae Variant Classification Sherloc (09022015). Collection method: clinical testing. Allele origin: germline.
Comment: In summary, the available evidence is currently insufficient to determine the role of this variant in disease. Therefore, it has been classified as a Variant of Uncertain Significance. Algorithms developed to predict the effect of missense changes on protein structure and function do not agree on the potential impact of this missense change (SIFT: "Deleterious"; PolyPhen-2: "Probably Damaging"; Align-GVGD: "Class C0"). This variant has not been reported in the literature in individuals with FASN-related disease. This variant is not present in population databases (ExAC no frequency). This sequence change replaces glutamine with histidine at codon 2164 of the FASN protein (p.Gln2164His). The glutamine residue is highly conserved and there is a small physicochemical difference between glutamine and histidine.

NM_004104.5(FASN):c.6492G>C (p.Gln2164His)

Gene: FASN (fatty acid synthase; minus strand). Cytogenetic location: 17q25.3.
Variant type: single nucleotide variant.
Coding change: c.6492G>C on transcript NM_004104.5 (MANE Select); coding-DNA position 6492, G replaced by C.
Protein change: p.Gln2164His; replaces glutamine 2164 with histidine.
Molecular consequence: missense variant.
Genome position (GRCh38, 1-based): chr17:82,081,267, C>G on the plus strand (G>C on the coding strand, the complement: FASN is on the minus strand). VCF-style: chr17-82081267-C-G. GRCh37 (hg19) VCF-style: chr17-80039143-C-G.
Other names: short protein forms Q2164H.
Identifiers: ClinVar variation 575839 (VCV000575839.8), dbSNP rs1568104948, ClinGen allele CA401600254.